The following is an entry in ClinVar:

NC_000019.9:g.(?_54621659)_(54632765_?)del

Gene: PRPF31 (pre-mRNA processing factor 31; plus strand). Cytogenetic location: 19q13.42.
Variant type: Deletion.
Identifiers: ClinVar variation 1391980 (VCV001391980.6).

ClinVar aggregate classification (germline): Pathogenic (1 of 4 stars; one submission).

Submission:

Labcorp Genetics (formerly Invitae), Labcorp
Classification: Pathogenic. Last evaluated: 2022-06-27. Review status: criteria provided, single submitter. Criteria: Invitae Variant Classification Sherloc (09022015). Collection method: clinical testing. Allele origin: germline.
Comment: For these reasons, this variant has been classified as Pathogenic. This variant has not been reported in the literature in individuals affected with PRPF31-related conditions. This variant is a gross deletion of the genomic region encompassing exon(s) 2-13 of the PRPF31 gene, which includes the initiator codon. This deletion extends beyond the assayed region for this gene and therefore may encompass additional genes. It is expected to result in an absent or disrupted protein product. Loss-of-function variants in PRPF31 are known to be pathogenic (PMID: 18317597, 23950152).

Literature cited by the submitters: PubMed 18317597; PubMed 23950152.